The following is an entry in ClinVar:

ClinVar aggregate classification (germline): Uncertain significance. Review status: criteria provided, multiple submitters, no conflicts (2 of 4 stars). 2 submissions from 2 submitters: Uncertain significance (2). Last evaluated 2026-01-10.

Conditions:
Familial adenomatous polyposis 1 (FAP1). Also called: FAMILIAL ADENOMATOUS POLYPOSIS 1, ATTENUATED; POLYPOSIS, ADENOMATOUS INTESTINAL. Identifiers: MedGen C2713442, MONDO:0021056, OMIM 175100. Disease mechanism: loss of function.
Hereditary cancer-predisposing syndrome. Also called: Hereditary Cancer Syndrome; Hereditary neoplastic syndrome; Tumor predisposition; Neoplastic Syndromes, Hereditary. Identifiers: Orphanet 140162, MedGen C0027672, MeSH D009386, MONDO:0015356.

Submissions (2):

Labcorp Genetics (formerly Invitae), Labcorp
Classification: Uncertain significance for Familial adenomatous polyposis 1. Last evaluated: 2026-01-10. Review status: criteria provided, single submitter. Criteria: Invitae Variant Classification Sherloc (09022015). Collection method: clinical testing. Allele origin: germline.
Comment: This sequence change replaces leucine, which is neutral and non-polar, with proline, which is neutral and non-polar, at codon 472 of the APC protein (p.Leu472Pro). This variant is not present in population databases (gnomAD no frequency). This variant has not been reported in the literature in individuals affected with APC-related conditions. ClinVar contains an entry for this variant (Variation ID: 841978). Invitae Evidence Modeling of protein sequence and biophysical properties (such as structural, functional, and spatial information, amino acid conservation, physicochemical variation, residue mobility, and thermodynamic stability) indicates that this missense variant is not expected to disrupt APC protein function with a negative predictive value of 95%. In summary, the available evidence is currently insufficient to determine the role of this variant in disease. Therefore, it has been classified as a Variant of Uncertain Significance.

Ambry Genetics
Classification: Uncertain significance for Hereditary cancer-predisposing syndrome. Last evaluated: 2020-01-08. Review status: criteria provided, single submitter. Criteria: Ambry Variant Classification Scheme 2023. Collection method: clinical testing. Allele origin: germline.
Comment: The p.L472P variant (also known as c.1415T>C), located in coding exon 11 of the APC gene, results from a T to C substitution at nucleotide position 1415. The leucine at codon 472 is replaced by proline, an amino acid with similar properties. This amino acid position is highly conserved in available vertebrate species. In addition, in silico predictors for this gene do not accurately predict pathogenicity. Since supporting evidence is limited at this time, the clinical significance of this alteration remains unclear.

NM_000038.6(APC):c.1415T>C (p.Leu472Pro)

Gene: APC (APC regulator of Wnt signaling pathway; plus strand). Cytogenetic location: 5q22.2.
Variant type: single nucleotide variant.
Coding change: c.1415T>C on transcript NM_000038.6 (MANE Select); coding-DNA position 1415, T replaced by C.
Protein change: p.Leu472Pro; replaces leucine 472 with proline.
Molecular consequence: missense variant.
Genome position (GRCh38, 1-based): chr5:112,827,114, T>C. VCF-style: chr5-112827114-T-C. GRCh37 (hg19) VCF-style: chr5-112162811-T-C.
Other names: c.1415T>C, p.Leu472Pro (NM_001127510.3, NM_001354895.2); c.1361T>C, p.Leu454Pro (NM_001127511.3); c.1469T>C, p.Leu490Pro (NM_001354896.2); c.1445T>C, p.Leu482Pro (NM_001354897.2); c.1340T>C, p.Leu447Pro (NM_001354898.2); c.1331T>C, p.Leu444Pro (NM_001354899.2); c.1292T>C, p.Leu431Pro (NM_001354900.2); c.1238T>C, p.Leu413Pro (NM_001354901.2); and 5 more; short protein forms L447P, L346P, L371P, L413P, L472P, L189P, L312P, L381P.
Identifiers: ClinVar variation 841978 (VCV000841978.13), dbSNP rs1763756974, ClinGen allele CA16024406.